The following is an entry in ClinVar:

NM_144966.5(FREM1):c.*2324T>A

Gene: FREM1 (FRAS1 related extracellular matrix 1; minus strand). Cytogenetic location: 9p22.3.
Variant type: single nucleotide variant.
Coding change: c.*2324T>A on transcript NM_144966.5; 2324 bases downstream of the stop codon, T replaced by A.
Genome position (GRCh38, 1-based): chr9:14,735,072, A>T on the plus strand (T>A on the coding strand, the complement: FREM1 is on the minus strand). VCF-style: chr9-14735072-A-T. GRCh37 (hg19) VCF-style: chr9-14735070-A-T.
Identifiers: ClinVar variation 366058 (VCV000366058.7), dbSNP rs187661556, ClinGen allele CA10629691.

ClinVar aggregate classification (germline): Likely benign (1 of 4 stars; one submission).

Conditions:
Oculotrichoanal syndrome (MOTA). Also called: MARLES SYNDROME; Manitoba Oculotrichoanal (MOTA) Syndrome. Identifiers: Orphanet 2717, MedGen C1855425, MONDO:0009560, OMIM 248450.

Allele frequency attached by ClinVar (database versions not stated): gnomAD 0.00457 and 0.00416; 1000 Genomes Project 0.00280; 1000 Genomes Project 30x 0.00344; TOPMed 0.00457.

Submission:

Illumina Laboratory Services, Illumina
Classification: Likely benign for Oculotrichoanal syndrome. Last evaluated: 2018-01-13. Review status: criteria provided, single submitter. Criteria: ICSL Variant Classification Criteria 13 December 2019. Collection method: clinical testing. Allele origin: germline.
Comment: This variant was observed in the ICSL laboratory as part of a predisposition screen in an ostensibly healthy population. It had not been previously curated by ICSL or reported in the Human Gene Mutation Database (HGMD: prior to June 1st, 2018), and was therefore a candidate for classification through an automated scoring system. Utilizing variant allele frequency, disease prevalence and penetrance estimates, and inheritance mode, an automated score was calculated to assess if this variant is too frequent to cause the disease. Based on the score and internal cut-off values, a variant classified as likely benign is not then subjected to further curation. The score for this variant resulted in a classification of likely benign for this disease.